The following is an entry in ClinVar:

NM_001267550.2(TTN):c.7330+12T>C

Genes: TTN (titin; minus strand), LOC126806433 (BRD4-independent group 4 enhancer GRCh37_chr2:179638309-179639508; plus strand). Cytogenetic location: 2q31.2.
Variant type: single nucleotide variant.
Coding change: c.7330+12T>C on transcript NM_001267550.2 (MANE Select); 12 bases into the intron after coding-DNA position 7330, T replaced by C.
Molecular consequence: intron variant.
Genome position (GRCh38, 1-based): chr2:178,773,826, A>G on the plus strand (T>C on the coding strand, the complement: TTN is on the minus strand). VCF-style: chr2-178773826-A-G. GRCh37 (hg19) VCF-style: chr2-179638553-A-G.
Other names: c.7192+12T>C (NM_003319.4, NM_133437.4, NM_133432.3); c.7330+12T>C (NM_133378.4, NM_001256850.1, NM_133379.5).
Identifiers: ClinVar variation 1677107 (VCV001677107.1), dbSNP rs2154344841, ClinGen allele CA2573133983.

ClinVar aggregate classification (germline): Uncertain significance (1 of 4 stars; one submission).

Submission:

Women's Health and Genetics/Laboratory Corporation of America, LabCorp
Classification: Uncertain significance. Last evaluated: 2022-03-14. Review status: criteria provided, single submitter. Criteria: LabCorp Variant Classification Summary - May 2015. Collection method: clinical testing. Allele origin: germline.
Comment: Variant summary: TTN c.7330+12T>C alters a nucleotide located close to a canonical splice site and therefore could affect mRNA splicing, leading to a significantly altered protein sequence. 4/4 computational tools predict no significant impact on normal splicing. However, these predictions have yet to be confirmed by functional studies. The variant was absent in 249948 control chromosomes (gnomAD). The available data on variant occurrences in the general population are insufficient to allow any conclusion about variant significance. To our knowledge, no occurrence of c.7330+12T>C in individuals affected with Limb-Girdle Muscular Dystrophy, Type 2J and no experimental evidence demonstrating its impact on protein function have been reported. No clinical diagnostic laboratories have submitted clinical-significance assessments for this variant to ClinVar after 2014. Based on the evidence outlined above, the variant was classified as uncertain significance.